The following is an entry in ClinVar:

ClinVar aggregate classification (germline): Uncertain significance (1 of 4 stars; one submission).

Submission:

CeGaT Center for Human Genetics Tuebingen
Classification: Uncertain significance. Last evaluated: 2025-08-01. Review status: criteria provided, single submitter. Criteria: CeGaT Center For Human Genetics Tuebingen Variant Classification Criteria Version 2. Collection method: clinical testing. Allele origin: germline. Affected: yes. Observed: 1 variant allele.
Comment: PKD1: PM2, BP4

NM_001009944.3(PKD1):c.10618+6C>T

Genes: PKD1 (polycystin 1, transient receptor potential channel interacting; minus strand), PKD1-AS1 (PKD1 antisense RNA 1; plus strand). Cytogenetic location: 16p13.3.
Variant type: single nucleotide variant.
Coding change: c.10618+6C>T on transcript NM_001009944.3 (MANE Select); 6 bases into the intron after coding-DNA position 10618, C replaced by T.
Molecular consequence: intron variant.
Genome position (GRCh38, 1-based): chr16:2,094,086, G>A on the plus strand (C>T on the coding strand, the complement: PKD1 is on the minus strand). VCF-style: chr16-2094086-G-A. GRCh37 (hg19) VCF-style: chr16-2144087-G-A.
Other names: c.10615+6C>T (NM_000296.4).
Identifiers: ClinVar variation 4281339 (VCV004281339.7).
Genomic context (GRCh38, chr16:2,094,086, plus strand): 5'-AGACAGACCTGTGAGAGGCAGCTCACAGGGAGGGGCTAGGGGCATCCCGGGGCTACGCAA[G>A]CACACCTGTCCTGGACAGCCTCGCTGCCTGGGGCTGTTCCCAGTTCAGGCCTGGGCTGGG-3'